The following is an entry in ClinVar:

NM_000271.5(NPC1):c.882-32A>G

Gene: NPC1 (NPC intracellular cholesterol transporter 1; minus strand). Cytogenetic location: 18q11.2.
Variant type: single nucleotide variant.
Coding change: c.882-32A>G on transcript NM_000271.5 (MANE Select); 32 bases into the intron before coding-DNA position 882, A replaced by G.
Molecular consequence: intron variant.
Genome position (GRCh38, 1-based): chr18:23,557,222, T>C on the plus strand (A>G on the coding strand, the complement: NPC1 is on the minus strand). VCF-style: chr18-23557222-T-C. GRCh37 (hg19) VCF-style: chr18-21137186-T-C.
Identifiers: ClinVar variation 4977937 (VCV004977937.1).
Genomic context (GRCh38, chr18:23,557,222, plus strand): 5'-GAGTGTACTCGGAGACAAAATACCGTTTTCTGAAAAACAGAAGTGAAGAAATAGCATTAG[T>C]GGACTTCATCACAGTGAGGTTGTTTTTGGGACATTCCTGTAATCCCATGAAATGCTTTCT-3'

ClinVar aggregate classification (germline): Likely benign (1 of 4 stars; one submission).

Conditions:
NPC1-related disorder. Also called: NPC1-related condition.

gnomAD v4.1: 6 of 1,533,590 alleles (0.00039%); highest among the groups gnomAD compares: Middle Eastern, 0.051%; no homozygotes.

Submission:

PreventionGenetics, part of Exact Sciences
Classification: Likely benign for NPC1-related condition. Last evaluated: 2025-11-18. Review status: criteria provided, single submitter. Criteria: ACMG Guidelines, 2015. Collection method: clinical testing. Allele origin: germline.
Comment: This variant is classified as likely benign based on ACMG/AMP sequence variant interpretation guidelines (Richards et al. 2015 PMID: 25741868, with internal and published modifications).